The following is an entry in ClinVar:

ClinVar aggregate classification (germline): Pathogenic (1 of 4 stars; one submission).

Conditions:
Deafness-lymphedema-leukemia syndrome. Also called: Emberger syndrome; Lymphedema, primary, with myelodysplasia. Identifiers: Orphanet 3226, MedGen C3279664, MONDO:0013540, OMIM 614038.
GATA2 deficiency with susceptibility to MDS/AML. Identifiers: MedGen CN300066, MONDO:0042982.

Submission:

Molecular Pathology Research Laboratory, SA Pathology
Classification: Pathogenic for GATA2 deficiency with susceptibility to MDS/AML; Deafness-lymphedema-leukemia syndrome. Last evaluated: 2021-07-06. Review status: criteria provided, single submitter. Criteria: ACMG Guidelines, 2015. Collection method: curation. Allele origin: unknown. Inheritance: Autosomal dominant inheritance. Affected: yes. Observed: 1 variant allele.
Comment: PVS1, PS4_Supporting, PM2

Literature cited by the submitters: PubMed 24227816; PubMed 25359990; PubMed 23365458; PubMed 24077845; PubMed 30578959.

NM_032638.5(GATA2):c.417dup (p.Val140fs)

Gene: GATA2 (GATA binding protein 2; minus strand). Cytogenetic location: 3q21.3.
Variant type: Duplication.
Coding change: c.417dup on transcript NM_032638.5 (MANE Select); coding-DNA position 417, one base duplicated (T; older notation c.417dupT).
Protein change: p.Val140fs; shifts the reading frame from valine 140.
Molecular consequence: frameshift variant.
Genome position (GRCh38, 1-based): chr3:128,486,181, A duplicated on the plus strand (T on the coding strand, the reverse complement: GATA2 is on the minus strand). VCF-style (leftmost placement, unchanged base first): chr3-128486180-C-CA. GRCh37 (hg19) VCF-style: chr3-128205023-C-CA.
Other names: c.417dup, p.Val140fs (NM_001145661.2, NM_001145662.1); short protein forms V140fs.
Identifiers: ClinVar variation 1184207 (VCV001184207.1), dbSNP rs2107672703, ClinGen allele CA1139532785.